The following is an entry in ClinVar:

ClinVar aggregate classification (germline): Uncertain significance (1 of 4 stars; one submission).

Conditions:
Cardiovascular phenotype. Identifiers: MedGen CN230736.

Submission:

Ambry Genetics
Classification: Uncertain significance for Cardiovascular phenotype. Last evaluated: 2026-06-22. Review status: criteria provided, single submitter. Criteria: Ambry Variant Classification Scheme 2023. Collection method: clinical testing. Allele origin: germline.
Comment: The p.G360A variant (also known as c.1079G>C) is located in coding exon 3 of the MYPN gene. The glycine at codon 360 is replaced by alanine, an amino acid with similar properties. This change occurs in the first base pair of coding exon 3. This amino acid position is conserved. In addition, this alteration is predicted to be tolerated by in silico analysis. Based on the available evidence, the clinical significance of this variant remains unclear.

NM_032578.4(MYPN):c.1079G>C (p.Gly360Ala)

Gene: MYPN (myopalladin; plus strand). Cytogenetic location: 10q21.3.
Variant type: single nucleotide variant.
Coding change: c.1079G>C on transcript NM_032578.4 (MANE Select); coding-DNA position 1079, G replaced by C.
Protein change: p.Gly360Ala; replaces glycine 360 with alanine.
Molecular consequence: missense variant. On other transcripts: non-coding transcript variant (2).
Genome position (GRCh38, 1-based): chr10:68,145,475, G>C. VCF-style: chr10-68145475-G-C. GRCh37 (hg19) VCF-style: chr10-69905232-G-C.
Other names: c.1079G>C, p.Gly360Ala (NM_001256267.2); c.197G>C, p.Gly66Ala (NM_001256268.2); short protein forms G66A, G360A.
Identifiers: ClinVar variation 5025292 (VCV005025292.1).